The following is an entry in ClinVar:

NM_001003787.4(STRADA):c.1212G>A (p.Glu404=)

Gene: STRADA (STE20 related adaptor alpha; minus strand). Cytogenetic location: 17q23.3.
Variant type: single nucleotide variant.
Coding change: c.1212G>A on transcript NM_001003787.4 (MANE Select); coding-DNA position 1212, G replaced by A.
Protein change: p.Glu404=; no amino-acid change (glutamic acid 404 retained).
Molecular consequence: synonymous variant. On other transcripts: 3 prime UTR variant (7), non-coding transcript variant (1).
Genome position (GRCh38, 1-based): chr17:63,703,683, C>T on the plus strand (G>A on the coding strand, the complement: STRADA is on the minus strand). VCF-style: chr17-63703683-C-T. GRCh37 (hg19) VCF-style: chr17-61781043-C-T.
Other names: c.1101G>A, p.Glu367= (NM_001003786.3); c.1038G>A, p.Glu346= (NM_001003788.3); c.*89G>A (NM_001165969.2, NM_001165970.2, NM_001363788.1 and 2 more transcripts); c.1188G>A, p.Glu396= (NM_001363786.1); c.1125G>A, p.Glu375= (NM_001363787.1); c.*1G>A (NM_001363790.1); c.*600G>A (NM_153335.6).
Identifiers: ClinVar variation 1042091 (VCV001042091.25), dbSNP rs760421285, ClinGen allele CA8703063.
Genomic context (GRCh38, chr17:63,703,683, plus strand): 5'-CAGCTCTTCCAGGTTTGTTACCAGGCCAAAGATTCCACTGTGGTCCTGAGACTGGCTGCC[C>T]TCAAAATTGGTGATGGGGGTGACAGGACGAAGCAATTCGGGCAAAGCCTCTGAGGCACGT-3'
Protein context (NP_001003787.1, residues 394-414): LRPVTPITNF[Glu404=]GSQSQDHSGI

ClinVar aggregate classification (germline): Likely benign. Review status: criteria provided, multiple submitters, no conflicts (2 of 4 stars). 2 submissions from 2 submitters: Likely benign (2). Last evaluated 2024-07-15.

Conditions:
Polyhydramnios, megalencephaly, and symptomatic epilepsy (PMSE). Also called: PMSE SYNDROME. Identifiers: Orphanet 500533, MedGen C1970203, MONDO:0012611, OMIM 611087.

Allele frequency attached by ClinVar (database versions not stated): gnomAD 0.00001; gnomAD exomes 0.00001 and 0.00003; ExAC 0.00002.
gnomAD v4.1: 40 of 1,614,070 alleles (0.0025%); highest among the groups gnomAD compares: Non-Finnish European, 0.0033%; no homozygotes.

Submissions (2):

Labcorp Genetics (formerly Invitae), Labcorp
Classification: Likely benign for Polyhydramnios, megalencephaly, and symptomatic epilepsy. Last evaluated: 2024-07-15. Review status: criteria provided, single submitter. Criteria: Invitae Variant Classification Sherloc (09022015). Collection method: clinical testing. Allele origin: germline.

CeGaT Center for Human Genetics Tuebingen
Classification: Likely benign. Last evaluated: 2024-07-01. Review status: criteria provided, single submitter. Criteria: CeGaT Center For Human Genetics Tuebingen Variant Classification Criteria Version 2. Collection method: clinical testing. Allele origin: germline. Affected: yes. Observed: 1 variant allele.
Comment: STRADA: BP4, BP7